The following is an entry in ClinVar:

ClinVar aggregate classification (germline): Uncertain significance. Review status: criteria provided, multiple submitters, no conflicts (2 of 4 stars). 2 submissions from 2 submitters: Uncertain significance (2). Last evaluated 2024-03-02.

Conditions:
Gastrointestinal stromal tumor. Also called: Gastrointestinal stroma tumor; Gastrointestinal stromal tumor, somatic. Identifiers: Orphanet 44890, MedGen C0238198, MeSH D046152, MONDO:0011719, OMIM 606764, HP:0100723.
Hereditary cancer-predisposing syndrome. Also called: Tumor predisposition; Hereditary Cancer Syndrome; Hereditary neoplastic syndrome; Neoplastic Syndromes, Hereditary. Identifiers: Orphanet 140162, MedGen C0027672, MeSH D009386, MONDO:0015356.

Submissions (2):

Ambry Genetics
Classification: Uncertain significance for Hereditary cancer-predisposing syndrome. Last evaluated: 2024-03-02. Review status: criteria provided, single submitter. Criteria: Ambry Variant Classification Scheme 2023. Collection method: clinical testing. Allele origin: germline.
Comment: The p.F917C variant (also known as c.2750T>G), located in coding exon 20 of the KIT gene, results from a T to G substitution at nucleotide position 2750. The phenylalanine at codon 917 is replaced by cysteine, an amino acid with highly dissimilar properties. This amino acid position is conserved. In addition, this alteration is predicted to be deleterious by in silico analysis. Based on the available evidence, the clinical significance of this alteration remains unclear.

Labcorp Genetics (formerly Invitae), Labcorp
Classification: Uncertain significance for Gastrointestinal stromal tumor. Last evaluated: 2021-06-15. Review status: criteria provided, single submitter. Criteria: Invitae Variant Classification Sherloc (09022015). Collection method: clinical testing. Allele origin: germline.
Comment: In summary, the available evidence is currently insufficient to determine the role of this variant in disease. Therefore, it has been classified as a Variant of Uncertain Significance. Algorithms developed to predict the effect of missense changes on protein structure and function (SIFT, PolyPhen-2, Align-GVGD) all suggest that this variant is likely to be disruptive, but these predictions have not been confirmed by published functional studies and their clinical significance is uncertain. This variant has not been reported in the literature in individuals with KIT-related conditions. This variant is not present in population databases (ExAC no frequency). This sequence change replaces phenylalanine with cysteine at codon 917 of the KIT protein (p.Phe917Cys). The phenylalanine residue is highly conserved and there is a large physicochemical difference between phenylalanine and cysteine.

NM_000222.3(KIT):c.2750T>G (p.Phe917Cys)

Gene: KIT (KIT proto-oncogene, receptor tyrosine kinase; plus strand). Cytogenetic location: 4q12.
Variant type: single nucleotide variant.
Coding change: c.2750T>G on transcript NM_000222.3 (MANE Select); coding-DNA position 2750, T replaced by G.
Protein change: p.Phe917Cys; replaces phenylalanine 917 with cysteine.
Molecular consequence: missense variant.
Genome position (GRCh38, 1-based): chr4:54,737,228, T>G. VCF-style: chr4-54737228-T-G. GRCh37 (hg19) VCF-style: chr4-55603394-T-G.
Other names: c.2750T>G (NM_000222.2); c.2738T>G, p.Phe913Cys (NM_001093772.2, NM_001385292.1); c.2753T>G, p.Phe918Cys (NM_001385284.1); c.2747T>G, p.Phe916Cys (NM_001385285.1); c.2735T>G, p.Phe912Cys (NM_001385286.1); c.2741T>G, p.Phe914Cys (NM_001385288.1); c.2750T>G, p.Phe917Cys (NM_001385290.1); short protein forms F916C, F912C, F914C, F917C, F913C, F918C.
Identifiers: ClinVar variation 1361323 (VCV001361323.9), dbSNP rs2109813949, ClinGen allele CA356914402.